The following is an entry in ClinVar:

NM_013432.5(TONSL):c.3347G>A (p.Arg1116His)

Gene: TONSL (tonsoku like, DNA repair protein; minus strand). Cytogenetic location: 8q24.3.
Variant type: single nucleotide variant.
Coding change: c.3347G>A on transcript NM_013432.5 (MANE Select); coding-DNA position 3347, G replaced by A.
Protein change: p.Arg1116His; replaces arginine 1116 with histidine.
Molecular consequence: missense variant.
Genome position (GRCh38, 1-based): chr8:144,434,018, C>T on the plus strand (G>A on the coding strand, the complement: TONSL is on the minus strand). VCF-style: chr8-144434018-C-T. GRCh37 (hg19) VCF-style: chr8-145659401-C-T.
Other names: c.3347G>A (NM_013432.4); short protein forms R1116H.
Identifiers: ClinVar variation 1440890 (VCV001440890.9), dbSNP rs782170769, ClinGen allele CA4942539.

ClinVar aggregate classification (germline): Uncertain significance. Review status: criteria provided, multiple submitters, no conflicts (2 of 4 stars). 4 submissions from 4 submitters: Uncertain significance (4). Last evaluated 2024-08-30.

Conditions:
Inborn genetic diseases. Identifiers: MedGen C0950123, MeSH D030342.
Sponastrime dysplasia. Also called: SPONDYLAR AND NASAL ALTERATIONS WITH STRIATED METAPHYSES. Identifiers: Orphanet 93357, MedGen C1300260, MONDO:0010068, OMIM 271510.

Allele frequency attached by ClinVar (database versions not stated): gnomAD 0.00005; TOPMed 0.00005; ExAC 0.00010; gnomAD exomes 0.00012.

Submissions (4):

Blueprint Genetics
Classification: Uncertain significance. Last evaluated: 2024-08-30. Review status: criteria provided, single submitter. Criteria: ACMG Guidelines, 2015. Collection method: clinical testing. Allele origin: germline.

Fulgent Genetics
Classification: Uncertain significance for Sponastrime dysplasia. Last evaluated: 2024-04-15. Review status: criteria provided, single submitter. Criteria: ACMG Guidelines, 2015. Collection method: clinical testing. Allele origin: germline.

Labcorp Genetics (formerly Invitae), Labcorp
Classification: Uncertain significance. Last evaluated: 2023-12-11. Review status: criteria provided, single submitter. Criteria: Invitae Variant Classification Sherloc (09022015). Collection method: clinical testing. Allele origin: germline.
Comment: This sequence change replaces arginine, which is basic and polar, with histidine, which is basic and polar, at codon 1116 of the TONSL protein (p.Arg1116His). This variant is present in population databases (rs782170769, gnomAD 0.2%). This variant has not been reported in the literature in individuals affected with TONSL-related conditions. ClinVar contains an entry for this variant (Variation ID: 1440890). Advanced modeling of protein sequence and biophysical properties (such as structural, functional, and spatial information, amino acid conservation, physicochemical variation, residue mobility, and thermodynamic stability) performed at Invitae indicates that this missense variant is not expected to disrupt TONSL protein function with a negative predictive value of 80%. In summary, the available evidence is currently insufficient to determine the role of this variant in disease. Therefore, it has been classified as a Variant of Uncertain Significance.

Ambry Genetics
Classification: Uncertain significance for Inborn genetic diseases. Last evaluated: 2023-08-04. Review status: criteria provided, single submitter. Criteria: Ambry Variant Classification Scheme 2023. Collection method: clinical testing. Allele origin: germline.